The following is an entry in ClinVar:

ClinVar aggregate classification (germline): Uncertain significance (1 of 4 stars; one submission).

Conditions:
Autosomal dominant childhood-onset proximal spinal muscular atrophy without contractures. Also called: KUGELBERG-WELANDER SYNDROME, AUTOSOMAL DOMINANT; SPINAL MUSCULAR ATROPHY, JUVENILE, PROXIMAL, AUTOSOMAL DOMINANT; Spinal muscular atrophy, lower extremity-predominant 1, AD; SPINAL MUSCULAR ATROPHY, CHILDHOOD, PROXIMAL, AUTOSOMAL DOMINANT. Identifiers: Orphanet 209341, Orphanet 363447, MedGen C5780022, MONDO:0008026, OMIM 158600.
Charcot-Marie-Tooth disease axonal type 2O. Also called: Charcot-Marie-Tooth disease, axonal, type 20; CHARCOT-MARIE-TOOTH NEUROPATHY, AXONAL, TYPE 2O; CHARCOT-MARIE-TOOTH DISEASE, AXONAL, AUTOSOMAL DOMINANT, TYPE 2O; Charcot-Marie-Tooth Neuropathy Type 2O. Identifiers: Orphanet 284232, MedGen C3280220, MONDO:0013644, OMIM 614228.
Cortical dysplasia, complex, with other brain malformations 13. Also called: Intellectual disability, autosomal dominant 13. Identifiers: MedGen C3281202, MONDO:0013805, OMIM 614563.

Submission:

Center for Genomics, Ann and Robert H. Lurie Children's Hospital of Chicago
Classification: Uncertain significance for Charcot-Marie-Tooth disease axonal type 2O; Autosomal dominant childhood-onset proximal spinal muscular atrophy without contractures; Cortical dysplasia, complex, with other brain malformations 13. Review status: criteria provided, single submitter. Criteria: ACMG Guidelines, 2015. Collection method: clinical testing. Allele origin: germline.
Comment: DYNC1H1 NM_001376.4 exon 75 p.Gly4499= (c.13497T>C): This variant has not been reported in the literature and is not present in large control databases. This variant is present in ClinVar (Variation ID:515300). Evolutionary conservation and computational predictive tools for this variant are limited or unavailable. Of note, this variant is a silent variant and does not change the amino acid, reducing the probability that this variant is disease causing. In summary, data on this variant is insufficient for disease classification. Therefore, the clinical significance of this variant is uncertain.

NM_001376.5(DYNC1H1):c.13497T>C (p.Gly4499=)

Gene: DYNC1H1 (dynein cytoplasmic 1 heavy chain 1; plus strand). Cytogenetic location: 14q32.31.
Variant type: single nucleotide variant.
Coding change: c.13497T>C on transcript NM_001376.5 (MANE Select); coding-DNA position 13497, T replaced by C.
Protein change: p.Gly4499=; no amino-acid change (glycine 4499 retained).
Molecular consequence: synonymous variant.
Genome position (GRCh38, 1-based): chr14:102,049,564, T>C. VCF-style: chr14-102049564-T-C. GRCh37 (hg19) VCF-style: chr14-102515901-T-C.
Identifiers: ClinVar variation 625935 (VCV000625935.3), dbSNP rs1555412704, ClinGen allele CA488186901.
Genomic context (GRCh38, chr14:102,049,564, plus strand): 5'-GTCCGACTTCAGCGAGAGGATCAAACAGCTGCAGAACATCTCACTGGCAGCTGCATCTGG[T>C]GGCGCCAAGGAGCTAAAGGTGAAGGCGCTCCTGACGAGTCTCGGGTGGTCAGCAGCTGTC-3'
Protein context (NP_001367.2, residues 4489-4509): LQNISLAAAS[Gly4499=]GAKELKNIHV